The following is an entry in ClinVar:

ClinVar aggregate classification (germline): Uncertain significance (1 of 4 stars; one submission).

Conditions:
Noonan syndrome 9 (NS9). Identifiers: Orphanet 648, MedGen C4225282, MONDO:0014691, OMIM 616559.

gnomAD v4.1: 4 of 1,579,432 alleles (0.00025%); highest among the groups gnomAD compares: Admixed American, 0.0018%; no homozygotes.

Submission:

Labcorp Genetics (formerly Invitae), Labcorp
Classification: Uncertain significance for Noonan syndrome 9. Last evaluated: 2025-12-01. Review status: criteria provided, single submitter. Criteria: Invitae Variant Classification Sherloc (09022015). Collection method: clinical testing. Allele origin: germline.
Comment: This sequence change falls in intron 10 of the SOS2 gene. It does not directly change the encoded amino acid sequence of the SOS2 protein. It affects a nucleotide within the consensus splice site. This variant is present in population databases (no rsID available, gnomAD 0.0009%). This variant has not been reported in the literature in individuals affected with SOS2-related conditions. ClinVar contains an entry for this variant (Variation ID: 2895364). Variants that disrupt the consensus splice site are a relatively common cause of aberrant splicing (PMID: 17576681, 9536098). Algorithms developed to predict the effect of sequence changes on RNA splicing suggest that this variant is not likely to affect RNA splicing. In summary, the available evidence is currently insufficient to determine the role of this variant in disease. Therefore, it has been classified as a Variant of Uncertain Significance.

Literature cited by the submitters: PubMed 17576681; PubMed 9536098.

NM_006939.4(SOS2):c.1852+4T>C

Gene: SOS2 (SOS Ras/Rho guanine nucleotide exchange factor 2; minus strand). Cytogenetic location: 14q21.3.
Variant type: single nucleotide variant.
Coding change: c.1852+4T>C on transcript NM_006939.4 (MANE Select); 4 bases into the intron after coding-DNA position 1852, T replaced by C.
Molecular consequence: intron variant.
Genome position (GRCh38, 1-based): chr14:50,159,427, A>G on the plus strand (T>C on the coding strand, the complement: SOS2 is on the minus strand). VCF-style: chr14-50159427-A-G. GRCh37 (hg19) VCF-style: chr14-50626145-A-G.
Other names: c.1753+4T>C (NM_001411020.1).
Identifiers: ClinVar variation 2895364 (VCV002895364.3), dbSNP rs1227305644, ClinGen allele CA614274339.